The following is an entry in ClinVar:

NM_020166.5(MCCC1):c.1134_1136dup (p.Gly379dup)

Gene: MCCC1 (methylcrotonyl-CoA carboxylase subunit 1; minus strand). Cytogenetic location: 3q27.1.
Variant type: Duplication.
Coding change: c.1134_1136dup on transcript NM_020166.5 (MANE Select); coding-DNA positions 1134 to 1136, 3 bases duplicated (GGG; older notation c.1134_1136dupGGG).
Protein change: p.Gly379dup; duplicates glycine 379.
Molecular consequence: inframe insertion. On other transcripts: non-coding transcript variant (2).
Genome position (GRCh38, 1-based): chr3:183,041,698-183,041,700, CCC duplicated on the plus strand (GGG on the coding strand, the reverse complement: MCCC1 is on the minus strand). VCF-style (leftmost placement, unchanged base first): chr3-183041697-G-GCCC. GRCh37 (hg19) VCF-style: chr3-182759485-G-GCCC.
Other names: c.807_809dup, p.Gly270dup (NM_001363880.1); c.783_785dup, p.Gly262dup (NM_001293273.2).
Identifiers: ClinVar variation 1507881 (VCV001507881.8), dbSNP rs2108479359, ClinGen allele CA2573136741.
Genomic context (GRCh38, chr3:183,041,697, plus strand): 5'-TGCCACAGGCATGAAGTTATTGCTAGGATCTTCTGCATATATTCTAGCTTCGAAGGCATG[G>GCCC]CCCTGCAGAGTTATTTCTTCCTGGCTCAAAGGAATCTTCTCTCCTGCTGCAATCTGGCAA-3'

ClinVar aggregate classification (germline): Uncertain significance (1 of 4 stars; one submission).

Conditions:
3-methylcrotonyl-CoA carboxylase 1 deficiency (MCC1D). Also called: MCCD TYPE 1; METHYLCROTONYLGLYCINURIA TYPE I; MCC 1 deficiency; 3 Alpha methylcrotonylglycinuria 1. Identifiers: Orphanet 6, MedGen CN028786, MONDO:0008861, OMIM 210200.

Submission:

Labcorp Genetics (formerly Invitae), Labcorp
Classification: Uncertain significance for 3-methylcrotonyl-CoA carboxylase 1 deficiency. Last evaluated: 2021-07-02. Review status: criteria provided, single submitter. Criteria: Invitae Variant Classification Sherloc (09022015). Collection method: clinical testing. Allele origin: germline.
Comment: This variant, c.1134_1136dup, results in the insertion of 1 amino acid(s) to the MCCC1 protein (p.Gly379dup), but otherwise preserves the integrity of the reading frame. This variant is not present in population databases (ExAC no frequency). This variant has not been reported in the literature in individuals affected with MCCC1-related conditions. Experimental studies and prediction algorithms are not available or were not evaluated, and the functional significance of this variant is currently unknown. In summary, the available evidence is currently insufficient to determine the role of this variant in disease. Therefore, it has been classified as a Variant of Uncertain Significance.